The following is an entry in ClinVar:

ClinVar aggregate classification (germline): Uncertain significance (1 of 4 stars; one submission).

Conditions:
Epileptic encephalopathy. Identifiers: MedGen C0543888, HP:0200134.

Allele frequency attached by ClinVar (database versions not stated): gnomAD exomes below 0.00001; ExAC 0.00001; TOPMed 0.00002.
gnomAD v4.1: 75 of 1,583,432 alleles (0.0047%); highest among the groups gnomAD compares: Non-Finnish European, 0.0064%; no homozygotes.

Submission:

Labcorp Genetics (formerly Invitae), Labcorp
Classification: Uncertain significance for Epileptic encephalopathy. Last evaluated: 2022-06-13. Review status: criteria provided, single submitter. Criteria: Invitae Variant Classification Sherloc (09022015). Collection method: clinical testing. Allele origin: germline.
Comment: In summary, the available evidence is currently insufficient to determine the role of this variant in disease. Therefore, it has been classified as a Variant of Uncertain Significance. Algorithms developed to predict the effect of missense changes on protein structure and function are either unavailable or do not agree on the potential impact of this missense change (SIFT: "Tolerated"; PolyPhen-2: "Possibly Damaging"; Align-GVGD: "Class C0"). ClinVar contains an entry for this variant (Variation ID: 531023). This variant has not been reported in the literature in individuals affected with RYR3-related conditions. The frequency data for this variant in the population databases is considered unreliable, as metrics indicate poor data quality at this position in the gnomAD database. This sequence change replaces glycine, which is neutral and non-polar, with arginine, which is basic and polar, at codon 5 of the RYR3 protein (p.Gly5Arg).

NM_001036.6(RYR3):c.13G>A (p.Gly5Arg)

Gene: RYR3 (ryanodine receptor 3; plus strand). Cytogenetic location: 15q13.3.
Variant type: single nucleotide variant.
Coding change: c.13G>A on transcript NM_001036.6 (MANE Select); coding-DNA position 13, G replaced by A.
Protein change: p.Gly5Arg; replaces glycine 5 with arginine.
Molecular consequence: missense variant.
Genome position (GRCh38, 1-based): chr15:33,311,058, G>A. VCF-style: chr15-33311058-G-A. GRCh37 (hg19) VCF-style: chr15-33603259-G-A.
Other names: c.13G>A, p.Gly5Arg (NM_001243996.4); short protein forms G5R.
Identifiers: ClinVar variation 531023 (VCV000531023.9), dbSNP rs763416818, ClinGen allele CA7457632.